The following is an entry in ClinVar:

ClinVar aggregate classification (germline): Uncertain significance (1 of 4 stars; one submission).

Submission:

Labcorp Genetics (formerly Invitae), Labcorp
Classification: Uncertain significance. Last evaluated: 2022-07-06. Review status: criteria provided, single submitter. Criteria: Invitae Variant Classification Sherloc (09022015). Collection method: clinical testing. Allele origin: germline.
Comment: In summary, the available evidence is currently insufficient to determine the role of this variant in disease. Therefore, it has been classified as a Variant of Uncertain Significance. This sequence change replaces serine, which is neutral and polar, with glycine, which is neutral and non-polar, at codon 347 of the EMC1 protein (p.Ser347Gly). This variant is not present in population databases (gnomAD no frequency). This variant has not been reported in the literature in individuals affected with EMC1-related conditions. ClinVar contains an entry for this variant (Variation ID: 1451002). Algorithms developed to predict the effect of missense changes on protein structure and function output the following: SIFT: "Tolerated"; PolyPhen-2: "Benign"; Align-GVGD: "Class C0". The glycine amino acid residue is found in multiple mammalian species, which suggests that this missense change does not adversely affect protein function.

NM_015047.3(EMC1):c.1039A>G (p.Ser347Gly)

Genes: EMC1 (ER membrane protein complex subunit 1; minus strand), EMC1-AS1 (EMC1 antisense RNA 1; plus strand). Cytogenetic location: 1p36.13.
Variant type: single nucleotide variant.
Coding change: c.1039A>G on transcript NM_015047.3 (MANE Select); coding-DNA position 1039, A replaced by G.
Protein change: p.Ser347Gly; replaces serine 347 with glycine.
Molecular consequence: missense variant.
Genome position (GRCh38, 1-based): chr1:19,238,845, T>C on the plus strand (A>G on the coding strand, the complement: EMC1 is on the minus strand). VCF-style: chr1-19238845-T-C. GRCh37 (hg19) VCF-style: chr1-19565339-T-C.
Other names: c.1036A>G, p.Ser346Gly (NM_001271427.2, NM_001375821.1); c.1039A>G, p.Ser347Gly (NM_001271428.2, NM_001375820.1); c.973A>G, p.Ser325Gly (NM_001271429.2); short protein forms S346G, S325G, S347G.
Identifiers: ClinVar variation 1451002 (VCV001451002.6), dbSNP rs2093585695, ClinGen allele CA338767149.